The following is an entry in ClinVar:

ClinVar aggregate classification (germline): Uncertain significance (1 of 4 stars; one submission).

Conditions:
Landau-Kleffner syndrome (FESD). Also called: EPILEPSY, FOCAL, WITH SPEECH DISORDER AND WITH OR WITHOUT MENTAL RETARDATION; APHASIA, ACQUIRED, WITH EPILEPSY. Identifiers: Orphanet 1945, Orphanet 725, Orphanet 98818, MedGen C0282512, MONDO:0009509, OMIM 245570.

gnomAD v4.1: 9 of 1,614,156 alleles (0.00056%); highest among the groups gnomAD compares: African/African-American, 0.0013%; no homozygotes.

Submission:

Labcorp Genetics (formerly Invitae), Labcorp
Classification: Uncertain significance for Landau-Kleffner syndrome. Last evaluated: 2025-05-07. Review status: criteria provided, single submitter. Criteria: Invitae Variant Classification Sherloc (09022015). Collection method: clinical testing. Allele origin: germline.
Comment: This sequence change replaces asparagine, which is neutral and polar, with lysine, which is basic and polar, at codon 1274 of the GRIN2A protein (p.Asn1274Lys). This variant is not present in population databases (gnomAD no frequency). This variant has not been reported in the literature in individuals affected with GRIN2A-related conditions. Invitae Evidence Modeling of protein sequence and biophysical properties (such as structural, functional, and spatial information, amino acid conservation, physicochemical variation, residue mobility, and thermodynamic stability) indicates that this missense variant is not expected to disrupt GRIN2A protein function with a negative predictive value of 95%. In summary, the available evidence is currently insufficient to determine the role of this variant in disease. Therefore, it has been classified as a Variant of Uncertain Significance.

NM_001134407.3(GRIN2A):c.3822C>A (p.Asn1274Lys)

Gene: GRIN2A (glutamate ionotropic receptor NMDA type subunit 2A; minus strand). Cytogenetic location: 16p13.2.
Variant type: single nucleotide variant.
Coding change: c.3822C>A on transcript NM_001134407.3 (MANE Select); coding-DNA position 3822, C replaced by A.
Protein change: p.Asn1274Lys; replaces asparagine 1274 with lysine.
Molecular consequence: missense variant. On other transcripts: intron variant (1).
Genome position (GRCh38, 1-based): chr16:9,763,722, G>T on the plus strand (C>A on the coding strand, the complement: GRIN2A is on the minus strand). VCF-style: chr16-9763722-G-T. GRCh37 (hg19) VCF-style: chr16-9857579-G-T.
Other names: c.3822C>A, p.Asn1274Lys (NM_000833.5); c.3772+50C>A (NM_001134408.2); short protein forms N1274K.
Identifiers: ClinVar variation 4802907 (VCV004802907.1).